The following is an entry in ClinVar:

ClinVar aggregate classification (germline): Pathogenic (1 of 4 stars; one submission).

Conditions:
Familial adenomatous polyposis 1 (FAP1). Also called: FAMILIAL ADENOMATOUS POLYPOSIS 1, ATTENUATED; POLYPOSIS, ADENOMATOUS INTESTINAL. Identifiers: MedGen C2713442, MONDO:0021056, OMIM 175100. Disease mechanism: loss of function.

Submission:

Myriad Genetics, Inc.
Classification: Pathogenic for Familial adenomatous polyposis 1. Last evaluated: 2023-05-10. Review status: criteria provided, single submitter. Criteria: Myriad Autosomal Dominant, Autosomal Recessive and X-Linked Classification Criteria (2023). Collection method: clinical testing. Allele origin: unknown.
Comment: This variant is considered pathogenic. This variant creates a frameshift predicted to result in premature protein truncation.

NM_000038.6(APC):c.4295dup (p.Pro1433fs)

Gene: APC (APC regulator of Wnt signaling pathway; plus strand). Cytogenetic location: 5q22.2.
Variant type: Duplication.
Coding change: c.4295dup on transcript NM_000038.6 (MANE Select); coding-DNA position 4295, one base duplicated (C; older notation c.4295dupC).
Protein change: p.Pro1433fs; shifts the reading frame from proline 1433.
Molecular consequence: frameshift variant. On other transcripts: non-coding transcript variant (2).
Genome position (GRCh38, 1-based): chr5:112,839,889, C duplicated; the last of 2 consecutive C bases (chr5:112,839,888-112,839,889); duplicating either gives the same sequence. VCF-style (leftmost placement, unchanged base first): chr5-112839887-G-GC. GRCh37 (hg19) VCF-style: chr5-112175584-G-GC.
Other names: c.4295dup, p.Pro1433fs (NM_001127510.3, NM_001354895.2, NM_001407450.1); c.4241dup, p.Pro1415fs (NM_001127511.3); c.4349dup, p.Pro1451fs (NM_001354896.2, NM_001407447.1, NM_001407448.1 and 1 more transcripts); c.4325dup, p.Pro1443fs (NM_001354897.2); c.4220dup, p.Pro1408fs (NM_001354898.2); c.4211dup, p.Pro1405fs (NM_001354899.2); c.4172dup, p.Pro1392fs (NM_001354900.2); c.4118dup, p.Pro1374fs (NM_001354901.2, NM_001407453.1); and 11 more; short protein forms P1049fs, P1150fs, P1273fs, P1304fs, P1307fs, P1332fs, P1342fs, P1350fs.
Identifiers: ClinVar variation 2583964 (VCV002583964.1), dbSNP rs2533563458, ClinGen allele CA2582341267.